The following is an entry in ClinVar:

NM_005220.3(DLX3):c.671C>T (p.Pro224Leu)

Gene: DLX3 (distal-less homeobox 3; minus strand). Cytogenetic location: 17q21.33.
Variant type: single nucleotide variant.
Coding change: c.671C>T on transcript NM_005220.3 (MANE Select); coding-DNA position 671, C replaced by T.
Protein change: p.Pro224Leu; replaces proline 224 with leucine.
Molecular consequence: missense variant.
Genome position (GRCh38, 1-based): chr17:49,991,710, G>A on the plus strand (C>T on the coding strand, the complement: DLX3 is on the minus strand). VCF-style: chr17-49991710-G-A. GRCh37 (hg19) VCF-style: chr17-48069074-G-A.
Other names: c.671C>T (NM_005220.2); short protein forms P224L.
Identifiers: ClinVar variation 1358123 (VCV001358123.7), dbSNP rs1055790164, ClinGen allele CA291506235.
Genomic context (GRCh38, chr17:49,991,710, plus strand): 5'-AGGTAGCTGGGGGAGGCACTGTATGGGAGCGGCGGGGGCAGCTGACTGCGGGCAGGGGCC[G>A]GAGTGGAGTGGGAAGAGGTGTCCCAGAGGGCGGGTGATGGTGGTGAGTTGCAGGCCATGG-3'
Protein context (NP_005211.1, residues 214-234): ALWDTSSHST[Pro224Leu]APARSQLPPP

ClinVar aggregate classification (germline): Uncertain significance. Review status: criteria provided, multiple submitters, no conflicts (2 of 4 stars). 2 submissions from 2 submitters: Uncertain significance (2). Last evaluated 2024-11-11.

Conditions:
Inborn genetic diseases. Identifiers: MedGen C0950123, MeSH D030342.

Allele frequency attached by ClinVar (database versions not stated): gnomAD 0.00001 and 0.00002; gnomAD exomes 0.00001 and 0.00008; TOPMed 0.00005.
gnomAD v4.1: 119 of 1,613,764 alleles (0.0074%); highest among the groups gnomAD compares: Non-Finnish European, 0.0094%; no homozygotes.

Submissions (2):

Labcorp Genetics (formerly Invitae), Labcorp
Classification: Uncertain significance. Last evaluated: 2024-11-11. Review status: criteria provided, single submitter. Criteria: Invitae Variant Classification Sherloc (09022015). Collection method: clinical testing. Allele origin: germline.
Comment: This sequence change replaces proline, which is neutral and non-polar, with leucine, which is neutral and non-polar, at codon 224 of the DLX3 protein (p.Pro224Leu). This variant is present in population databases (no rsID available, gnomAD 0.006%). This variant has not been reported in the literature in individuals affected with DLX3-related conditions. ClinVar contains an entry for this variant (Variation ID: 1358123). Invitae Evidence Modeling of protein sequence and biophysical properties (such as structural, functional, and spatial information, amino acid conservation, physicochemical variation, residue mobility, and thermodynamic stability) indicates that this missense variant is not expected to disrupt DLX3 protein function with a negative predictive value of 80%. In summary, the available evidence is currently insufficient to determine the role of this variant in disease. Therefore, it has been classified as a Variant of Uncertain Significance.

Ambry Genetics
Classification: Uncertain significance for Inborn genetic diseases. Last evaluated: 2024-05-31. Review status: criteria provided, single submitter. Criteria: Ambry Variant Classification Scheme 2023. Collection method: clinical testing. Allele origin: germline.